The following is an entry in ClinVar:

ClinVar aggregate classification (germline): Likely pathogenic (1 of 4 stars; one submission).

Conditions:
Nemaline myopathy 2 (NEM2). Also called: Nemaline myopathy 2, autosomal recessive. Identifiers: MedGen C1850569, MONDO:0009725, OMIM 256030.

Submission:

Natera, Inc.
Classification: Likely pathogenic for Nemaline myopathy type 2. Last evaluated: 2025-01-27. Review status: criteria provided, single submitter. Criteria: Natera Variant Classification Schema (03/2026). Collection method: clinical testing. Allele origin: germline.
Comment: The c.2766_2767del variant in NEB is a frameshift variant predicted to shift the reading frame beginning at codon 922 and leads to a stop codon 7 codons downstream. This variant is expected to result in nonsense mediated decay, truncation, or a dysfunctional protein product. This variant is rare in the general population with a frequency below the threshold expected for the associated phenotype(s). Given the available evidence, this variant is classified as Likely Pathogenic.

NM_001164508.2(NEB):c.2766_2767del (p.His922fs)

Gene: NEB (nebulin; minus strand). Cytogenetic location: 2q23.3.
Variant type: Microsatellite.
Coding change: c.2766_2767del on transcript NM_001164508.2 (MANE Select); coding-DNA positions 2766 to 2767, 2 bases deleted (CA; older notation c.2766_2767delCA).
Protein change: p.His922fs; shifts the reading frame from histidine 922.
Molecular consequence: frameshift variant.
Genome position (GRCh38, 1-based): chr2:151,684,846-151,684,847, TG deleted on the plus strand (CA on the coding strand, the reverse complement: NEB is on the minus strand); deleting any 2 consecutive bases within chr2:151,684,846-151,684,850 gives the same sequence; the c. name uses the placement nearest the transcript's 3' end. VCF-style (leftmost placement, unchanged base first): chr2-151684845-CTG-C. GRCh37 (hg19) VCF-style: chr2-152541359-CTG-C.
Other names: c.2766_2767del, p.His922fs (NM_001164507.2, NM_001271208.2, NM_004543.5); c.2763_2764AC[1], p.His922Glnfs (NM_001271208.1); c.2766_2767del (NM_001271208.1); short protein forms H922fs.
Identifiers: ClinVar variation 4058807 (VCV004058807.2).